The following is an entry in ClinVar:

NM_000091.5(COL4A3):c.204T>C (p.Pro68=)

Genes: COL4A3 (collagen type IV alpha 3 chain; plus strand), MFF-DT (MFF divergent transcript; minus strand). Cytogenetic location: 2q36.3.
Variant type: single nucleotide variant.
Coding change: c.204T>C on transcript NM_000091.5 (MANE Select); coding-DNA position 204, T replaced by C.
Protein change: p.Pro68=; no amino-acid change (proline 68 retained).
Molecular consequence: synonymous variant.
Genome position (GRCh38, 1-based): chr2:227,240,202, T>C. VCF-style: chr2-227240202-T-C. GRCh37 (hg19) VCF-style: chr2-228104918-T-C.
Identifiers: ClinVar variation 754503 (VCV000754503.14), dbSNP rs200170381, ClinGen allele CA2145939.
Genomic context (GRCh38, chr2:227,240,202, plus strand): 5'-GGGGGAGAAGGGCTTTCCTGGACCCCCCGGTTCTCCTGGCCAGAAAGGATTCACAGGTCC[T>C]GAAGGCTTGCCTGGACCGCAGGGACCCAAGGTATGTCATCCTGCAAGCTTGGAAAATCCC-3'
Protein context (NP_000082.2, residues 58-78): GSPGQKGFTG[Pro68=]EGLPGPQGPK

ClinVar aggregate classification (germline): Likely benign. Review status: criteria provided, multiple submitters, no conflicts (2 of 4 stars). 3 submissions from 3 submitters: Likely benign (2). 1 of the submissions does not count toward it. Last evaluated 2026-01-31.

Conditions:
COL4A3-related disorder. Also called: COL4A3-related condition; COL4A3-Related Disorders.
Autosomal dominant Alport syndrome (ATS3A). Also called: ALPORT SYNDROME 3A, AUTOSOMAL DOMINANT; Alport syndrome dominant type; Renal failure and sensorineural hearing loss. Identifiers: Orphanet 63, Orphanet 88918, MedGen C5882663, MONDO:0007086, OMIM 104200.
Autosomal recessive Alport syndrome (ATS2). Also called: COL4A4 Alport Syndrome and Thin Basement Membrane Nephropathy; ALPORT SYNDROME 2, AUTOSOMAL RECESSIVE; COL4A3-Related Nephropathy; Alport syndrome type 2. Identifiers: Orphanet 63, Orphanet 88919, MedGen C4746745, MONDO:0008762, OMIM 203780.
Benign familial hematuria. Also called: thin basement membrane disease. Identifiers: MedGen C0241908, MONDO:0957317.

Allele frequency attached by ClinVar (database versions not stated): gnomAD exomes 0.00010 and 0.00003; ExAC 0.00015; gnomAD 0.00026 and 0.00023; 1000 Genomes Project 30x 0.00047; TOPMed 0.00025; ESP Exome Variant Server 0.00033; 1000 Genomes Project 0.00040.
gnomAD v4.1: 82 of 1,611,954 alleles (0.0051%); highest among the groups gnomAD compares: African/African-American, 0.095%; no homozygotes.

Submissions (3):

Labcorp Genetics (formerly Invitae), Labcorp
Classification: Likely benign. Last evaluated: 2026-01-31. Review status: criteria provided, single submitter. Criteria: Invitae Variant Classification Sherloc (09022015). Collection method: clinical testing. Allele origin: germline.

Fulgent Genetics
Classification: Likely benign for Autosomal dominant Alport syndrome; Hematuria, benign familial, 1; Autosomal recessive Alport syndrome. Last evaluated: 2021-10-18. Review status: criteria provided, single submitter. Criteria: ACMG Guidelines, 2015. Collection method: clinical testing. Allele origin: unknown.

PreventionGenetics, part of Exact Sciences
Classification: Likely benign for COL4A3-related condition. Last evaluated: 2021-01-04. Review status: no assertion criteria provided. Collection method: clinical testing. Allele origin: germline. Not counted in ClinVar's aggregate classification.
Comment: This variant is classified as likely benign based on ACMG/AMP sequence variant interpretation guidelines (Richards et al. 2015 PMID: 25741868, with internal and published modifications).